The following is an entry in ClinVar:

NM_001267550.2(TTN):c.93735C>T (p.Pro31245=)

Genes: TTN (titin; minus strand), TTN-AS1 (TTN antisense RNA 1; plus strand). Cytogenetic location: 2q31.2.
Variant type: single nucleotide variant.
Coding change: c.93735C>T on transcript NM_001267550.2 (MANE Select); coding-DNA position 93735, C replaced by T.
Protein change: p.Pro31245=; no amino-acid change (proline 31245 retained).
Molecular consequence: synonymous variant.
Genome position (GRCh38, 1-based): chr2:178,547,891, G>A on the plus strand (C>T on the coding strand, the complement: TTN is on the minus strand). VCF-style: chr2-178547891-G-A. GRCh37 (hg19) VCF-style: chr2-179412618-G-A.
Other names: c.88812C>T, p.Pro29604= (NM_001256850.1); c.66540C>T, p.Pro22180= (NM_003319.4); c.86031C>T, p.Pro28677= (NM_133378.4); c.66915C>T, p.Pro22305= (NM_133432.3); c.67116C>T, p.Pro22372= (NM_133437.4).
Identifiers: ClinVar variation 1354840 (VCV001354840.9), dbSNP rs1697864721, ClinGen allele CA430243109.

ClinVar aggregate classification (germline): Likely benign. Review status: criteria provided, multiple submitters, no conflicts (2 of 4 stars). 2 submissions from 2 submitters: Likely benign (2). Last evaluated 2026-08-10.

Conditions:
TTN-related disorder. Also called: TTN-related condition; TTN-related disease; TTN-related disorders.
Dilated cardiomyopathy 1G (CMD1G). Identifiers: Orphanet 154, MedGen C1858763, MONDO:0011400, OMIM 604145.
Autosomal recessive limb-girdle muscular dystrophy type 2J (LGMDR10). Also called: MUSCULAR DYSTROPHY, LIMB-GIRDLE, AUTOSOMAL RECESSIVE 10; Limb-girdle muscular dystrophy, type 2J. Identifiers: Orphanet 140922, MedGen C1837342, MONDO:0012127, OMIM 608807.

Allele frequency attached by ClinVar (database versions not stated): gnomAD exomes below 0.00001.
gnomAD v4.1: 1 of 1,613,768 alleles (0.000062%); highest among the groups gnomAD compares: Non-Finnish European, 0.000085%; no homozygotes.

Submissions (2):

PreventionGenetics, part of Exact Sciences
Classification: Likely benign for TTN-related condition. Last evaluated: 2026-08-10. Review status: criteria provided, single submitter. Criteria: ACMG Guidelines, 2015. Collection method: clinical testing. Allele origin: germline.
Comment: This variant is classified as likely benign based on ACMG/AMP sequence variant interpretation guidelines (Richards et al. 2015 PMID: 25741868, with internal and published modifications).

Labcorp Genetics (formerly Invitae), Labcorp
Classification: Likely benign for Dilated cardiomyopathy 1G; Autosomal recessive limb-girdle muscular dystrophy type 2J. Last evaluated: 2021-09-17. Review status: criteria provided, single submitter. Criteria: Invitae Variant Classification Sherloc (09022015). Collection method: clinical testing. Allele origin: germline.